The following is an entry in ClinVar:

NM_032806.6(POMGNT2):c.230G>A (p.Arg77His)

Gene: POMGNT2 (protein O-linked mannose N-acetylglucosaminyltransferase 2 (beta 1,4-); minus strand). Cytogenetic location: 3p22.1.
Variant type: single nucleotide variant.
Coding change: c.230G>A on transcript NM_032806.6 (MANE Select); coding-DNA position 230, G replaced by A.
Protein change: p.Arg77His; replaces arginine 77 with histidine.
Molecular consequence: missense variant.
Genome position (GRCh38, 1-based): chr3:43,081,202, C>T on the plus strand (G>A on the coding strand, the complement: POMGNT2 is on the minus strand). VCF-style: chr3-43081202-C-T. GRCh37 (hg19) VCF-style: chr3-43122694-C-T.
Other names: c.230G>A (NM_032806.4); short protein forms R77H.
Identifiers: ClinVar variation 540494 (VCV000540494.9), dbSNP rs769075803, ClinGen allele CA2340124.
Genomic context (GRCh38, chr3:43,081,202, plus strand): 5'-TGGAAGAAGATGAACTCCTCAGCCTCGTTGGAGTAGCAGAGCCACTTGAAGCGGCAGATG[C>T]GGTCTGTGTGCGTGCGGCCCGTGCACACCATGTGTGTGCCGCCCTCCATCAGGATCTGCA-3'
Protein context (NP_116195.2, residues 67-87): MVCTGRTHTD[Arg77His]ICRFKWLCYS

ClinVar aggregate classification (germline): Uncertain significance. Review status: criteria provided, multiple submitters, no conflicts (2 of 4 stars). 3 submissions from 3 submitters: Uncertain significance (3). Last evaluated 2024-11-23.

Conditions:
Muscular dystrophy-dystroglycanopathy (congenital with brain and eye anomalies), type a, 8 (MDDGA8). Also called: WALKER-WARBURG SYNDROME OR MUSCLE-EYE-BRAIN DISEASE, GTDC2-RELATED. Identifiers: Orphanet 899, MedGen C3553813, MONDO:0013904, OMIM 614830.
Inborn genetic diseases. Identifiers: MedGen C0950123, MeSH D030342.

Allele frequency attached by ClinVar (database versions not stated): ExAC 0.00001; gnomAD exomes 0.00003 and 0.00007; gnomAD 0.00004 and 0.00005; TOPMed 0.00004; 1000 Genomes Project 30x 0.00031.
gnomAD v4.1: 109 of 1,614,108 alleles (0.0068%); highest among the groups gnomAD compares: Middle Eastern, 0.016%; no homozygotes.

Submissions (3):

Ambry Genetics
Classification: Uncertain significance for Inborn genetic diseases. Last evaluated: 2024-11-23. Review status: criteria provided, single submitter. Criteria: Ambry Variant Classification Scheme 2023. Collection method: clinical testing. Allele origin: germline.

Labcorp Genetics (formerly Invitae), Labcorp
Classification: Uncertain significance for Muscular dystrophy-dystroglycanopathy (congenital with brain and eye anomalies), type a, 8. Last evaluated: 2022-11-15. Review status: criteria provided, single submitter. Criteria: Invitae Variant Classification Sherloc (09022015). Collection method: clinical testing. Allele origin: germline.
Comment: In summary, the available evidence is currently insufficient to determine the role of this variant in disease. Therefore, it has been classified as a Variant of Uncertain Significance. Advanced modeling of protein sequence and biophysical properties (such as structural, functional, and spatial information, amino acid conservation, physicochemical variation, residue mobility, and thermodynamic stability) performed at Invitae indicates that this missense variant is not expected to disrupt POMGNT2 protein function. ClinVar contains an entry for this variant (Variation ID: 540494). This variant has not been reported in the literature in individuals affected with POMGNT2-related conditions. This variant is present in population databases (rs769075803, gnomAD 0.004%). This sequence change replaces arginine, which is basic and polar, with histidine, which is basic and polar, at codon 77 of the POMGNT2 protein (p.Arg77His).

GeneDx
Classification: Uncertain significance. Last evaluated: 2022-11-01. Review status: criteria provided, single submitter. Criteria: GeneDx Variant Classification Process June 2021. Collection method: clinical testing. Allele origin: germline. Affected: yes.
Comment: Not observed at significant frequency in large population cohorts (gnomAD); In silico analysis supports that this missense variant does not alter protein structure/function; Has not been previously published as a pathogenic or benign germline variant to our knowledge; This variant is associated with the following publications: (PMID: 28492532, 32579932)